The following is an entry in ClinVar:

ClinVar aggregate classification (germline): Likely benign (0 of 4 stars; one submission).

Conditions:
RUBCN-related disorder. Also called: RUBCN-related condition.

Allele frequency attached by ClinVar (database versions not stated): gnomAD exomes 0.00001; ExAC 0.00003; TOPMed 0.00005; gnomAD 0.00008; ESP Exome Variant Server 0.00016.
gnomAD v4.1: 24 of 1,614,102 alleles (0.0015%); highest among the groups gnomAD compares: African/African-American, 0.028%; no homozygotes.

Submission:

PreventionGenetics, part of Exact Sciences
Classification: Likely benign for RUBCN-related condition. Last evaluated: 2019-03-07. Review status: no assertion criteria provided. Collection method: clinical testing. Allele origin: germline.
Comment: This variant is classified as likely benign based on ACMG/AMP sequence variant interpretation guidelines (Richards et al. 2015 PMID: 25741868, with internal and published modifications).

NM_014687.4(RUBCN):c.1530G>A (p.Lys510=)

Gene: RUBCN (rubicon autophagy regulator; minus strand). Cytogenetic location: 3q29.
Variant type: single nucleotide variant.
Coding change: c.1530G>A on transcript NM_014687.4 (MANE Select); coding-DNA position 1530, G replaced by A.
Protein change: p.Lys510=; no amino-acid change (lysine 510 retained).
Molecular consequence: synonymous variant.
Genome position (GRCh38, 1-based): chr3:197,694,529, C>T on the plus strand (G>A on the coding strand, the complement: RUBCN is on the minus strand). VCF-style: chr3-197694529-C-T. GRCh37 (hg19) VCF-style: chr3-197421400-C-T.
Other names: c.1395G>A, p.Lys465= (NM_001145642.5); c.1572G>A, p.Lys524= (NM_001346873.2).
Identifiers: ClinVar variation 3058488 (VCV003058488.2), dbSNP rs375842322, ClinGen allele CA2786931.
Genomic context (GRCh38, chr3:197,694,529, plus strand): 5'-TCTATCACTGTCTTCCTCTTCCACTTCCTCCTCCTCTAGGCACTGGCTCATCATGTTGCA[C>T]TTCATTAGCTCGATGGCAGCAATTAAGGACTCTGAGATGCTGAAGTGGGCATTCTCCTGG-3'
Protein context (NP_055502.1, residues 500-520): ESLIAAIELM[Lys510=]CNMMSQCLEE